The following is an entry in ClinVar:

NM_018297.4(NGLY1):c.341A>T (p.Asp114Val)

Gene: NGLY1 (N-glycanase 1; minus strand). Cytogenetic location: 3p24.2.
Variant type: single nucleotide variant.
Coding change: c.341A>T on transcript NM_018297.4 (MANE Select); coding-DNA position 341, A replaced by T.
Protein change: p.Asp114Val; replaces aspartic acid 114 with valine.
Molecular consequence: missense variant.
Genome position (GRCh38, 1-based): chr3:25,764,217, T>A on the plus strand (A>T on the coding strand, the complement: NGLY1 is on the minus strand). VCF-style: chr3-25764217-T-A. GRCh37 (hg19) VCF-style: chr3-25805708-T-A.
Other names: c.341A>T, p.Asp114Val (NM_001145293.2, NM_001145295.2); c.215A>T, p.Asp72Val (NM_001145294.2); short protein forms D114V, D72V.
Identifiers: ClinVar variation 1489750 (VCV001489750.8), dbSNP rs2125289618, ClinGen allele CA351909220.

ClinVar aggregate classification (germline): Uncertain significance (1 of 4 stars; one submission).

Conditions:
Congenital disorder of deglycosylation (CDDG). Identifiers: MedGen C3808991, MONDO:0031376.

Submission:

Labcorp Genetics (formerly Invitae), Labcorp
Classification: Uncertain significance for Congenital disorder of deglycosylation. Last evaluated: 2021-05-08. Review status: criteria provided, single submitter. Criteria: Invitae Variant Classification Sherloc (09022015). Collection method: clinical testing. Allele origin: germline.
Comment: In summary, the available evidence is currently insufficient to determine the role of this variant in disease. Therefore, it has been classified as a Variant of Uncertain Significance. Algorithms developed to predict the effect of sequence changes on RNA splicing suggest that this variant may create or strengthen a splice site, but this prediction has not been confirmed by published transcriptional studies. Algorithms developed to predict the effect of missense changes on protein structure and function are either unavailable or do not agree on the potential impact of this missense change (SIFT: "Deleterious"; PolyPhen-2: "Benign"; Align-GVGD: "Class C0"). This variant has not been reported in the literature in individuals with NGLY1-related conditions. This variant is not present in population databases (ExAC no frequency). This sequence change replaces aspartic acid with valine at codon 114 of the NGLY1 protein (p.Asp114Val). The aspartic acid residue is weakly conserved and there is a large physicochemical difference between aspartic acid and valine.